The following is an entry in ClinVar:

ClinVar aggregate classification (germline): Pathogenic. Review status: criteria provided, multiple submitters, no conflicts (2 of 4 stars). 2 submissions from 2 submitters: Pathogenic (2). Last evaluated 2024-02-06.

Conditions:
Epidermolysis bullosa, junctional 5A, intermediate. Also called: EPIDERMOLYSIS BULLOSA, JUNCTIONAL 5A, GENERALIZED INTERMEDIATE; EPIDERMOLYSIS BULLOSA, JUNCTIONAL 5A, NON-HERLITZ TYPE. Identifiers: MedGen C5676956, MONDO:0030768, OMIM 619816.
Junctional epidermolysis bullosa with pyloric atresia. Also called: APLASIA CUTIS CONGENITA WITH GASTROINTESTINAL ATRESIA; CARMI SYNDROME; EB-PA-ACC; Epidermolysis bullosa, junctional, with pyloric atresia and aplasia cutis congenita; Epidermolysis bullosa junctionalis with pyloric atresia; ITGB4-Related Epidermolysis Bullosa with Pyloric Atresia. Identifiers: Orphanet 79403, MedGen C5676875, MONDO:0009183, OMIM 226730.

Submissions (2):

Labcorp Genetics (formerly Invitae), Labcorp
Classification: Pathogenic. Last evaluated: 2024-02-06. Review status: criteria provided, single submitter. Criteria: Invitae Variant Classification Sherloc (09022015). Collection method: clinical testing. Allele origin: germline.
Comment: This sequence change creates a premature translational stop signal (p.Trp1240*) in the ITGB4 gene. It is expected to result in an absent or disrupted protein product. Loss-of-function variants in ITGB4 are known to be pathogenic (PMID: 11328943, 16473856). This variant is present in population databases (no rsID available, gnomAD 0.06%). This premature translational stop signal has been observed in individual(s) with epidermolysis bullosa (PMID: 18563182). For these reasons, this variant has been classified as Pathogenic.

Fulgent Genetics
Classification: Pathogenic for Junctional epidermolysis bullosa with pyloric atresia; Epidermolysis bullosa, junctional 5A, intermediate. Last evaluated: 2023-12-28. Review status: criteria provided, single submitter. Criteria: ACMG Guidelines, 2015. Collection method: clinical testing. Allele origin: germline.

Literature cited by the submitters: PubMed 11328943 (cited by Labcorp Genetics (formerly Invitae), Labcorp); PubMed 16473856 (cited by Labcorp Genetics (formerly Invitae), Labcorp); PubMed 18563182 (cited by Labcorp Genetics (formerly Invitae), Labcorp).

NM_000213.5(ITGB4):c.3719G>A (p.Trp1240Ter)

Gene: ITGB4 (integrin subunit beta 4; plus strand). Cytogenetic location: 17q25.1.
Variant type: single nucleotide variant.
Coding change: c.3719G>A on transcript NM_000213.5 (MANE Select); coding-DNA position 3719, G replaced by A.
Protein change: p.Trp1240Ter; replaces tryptophan 1240 with a stop codon.
Molecular consequence: nonsense.
Genome position (GRCh38, 1-based): chr17:75,751,037, G>A. VCF-style: chr17-75751037-G-A. GRCh37 (hg19) VCF-style: chr17-73747118-G-A.
Other names: c.3719G>A, p.Trp1240Ter (NM_001005619.2, NM_001005731.3, NM_001321123.2); short protein forms W1240*.
Identifiers: ClinVar variation 3582978 (VCV003582978.3).
Genomic context (GRCh38, chr17:75,751,037, plus strand): 5'-CCAGCGAGCCAGGGCGTCTGGCCTTCAATGTCGTCTCCTCCACGGTGACCCAGCTGAGCT[G>A]GGCTGAGCCGGCTGAGACCAACGGTGAGATCACAGCCTACGAGGTCTGCTATGGCCTGGT-3'